The following is an entry in ClinVar:

ClinVar aggregate classification (germline): Uncertain significance (1 of 4 stars; one submission).

Conditions:
Cardiovascular phenotype. Identifiers: MedGen CN230736.
Hereditary cancer-predisposing syndrome. Also called: Neoplastic Syndromes, Hereditary; Hereditary Cancer Syndrome; Tumor predisposition; Hereditary neoplastic syndrome. Identifiers: Orphanet 140162, MedGen C0027672, MeSH D009386, MONDO:0015356.

Submission:

Ambry Genetics
Classification: Uncertain significance for Cardiovascular phenotype; Hereditary cancer-predisposing syndrome. Last evaluated: 2023-01-15. Review status: criteria provided, single submitter. Criteria: Ambry Variant Classification Scheme 2023. Collection method: clinical testing. Allele origin: germline.
Comment: The p.V611L variant (also known as c.1831G>C), located in coding exon 16 of the LZTR1 gene, results from a G to C substitution at nucleotide position 1831. The valine at codon 611 is replaced by leucine, an amino acid with highly similar properties. This amino acid position is conserved. In addition, the in silico prediction for this alteration is inconclusive. Since supporting evidence is limited at this time, the clinical significance of this alteration remains unclear.

NM_006767.4(LZTR1):c.1831G>C (p.Val611Leu)

Gene: LZTR1 (leucine zipper like post translational regulator 1; plus strand). Cytogenetic location: 22q11.21.
Variant type: single nucleotide variant.
Coding change: c.1831G>C on transcript NM_006767.4 (MANE Select); coding-DNA position 1831, G replaced by C.
Protein change: p.Val611Leu; replaces valine 611 with leucine.
Molecular consequence: missense variant.
Genome position (GRCh38, 1-based): chr22:20,994,915, G>C. VCF-style: chr22-20994915-G-C. GRCh37 (hg19) VCF-style: chr22-21349204-G-C.
Other names: short protein forms V611L.
Identifiers: ClinVar variation 2447739 (VCV002447739.2), dbSNP rs2518622386, ClinGen allele CA410778550.